The following is an entry in ClinVar:

ClinVar aggregate classification (germline): Uncertain significance (1 of 4 stars; one submission).

Submission:

GeneDx
Classification: Uncertain significance. Last evaluated: 2024-11-11. Review status: criteria provided, single submitter. Criteria: GeneDx Variant Classification Process June 2021. Collection method: clinical testing. Allele origin: germline.
Comment: Not observed at significant frequency in large population cohorts (gnomAD); In silico analysis indicates that this missense variant does not alter protein structure/function; Other missense variants that introduce a cysteine residue in the triple helical domain have been reported in association with COL2A1-related conditions (HGMD); Has not been previously published as pathogenic or benign to our knowledge

NM_001844.5(COL2A1):c.2440A>T (p.Ser814Cys)

Gene: COL2A1 (collagen type II alpha 1 chain; minus strand). Cytogenetic location: 12q13.11.
Variant type: single nucleotide variant.
Coding change: c.2440A>T on transcript NM_001844.5 (MANE Select); coding-DNA position 2440, A replaced by T.
Protein change: p.Ser814Cys; replaces serine 814 with cysteine.
Molecular consequence: missense variant.
Genome position (GRCh38, 1-based): chr12:47,981,366, T>A on the plus strand (A>T on the coding strand, the complement: COL2A1 is on the minus strand). VCF-style: chr12-47981366-T-A. GRCh37 (hg19) VCF-style: chr12-48375149-T-A.
Other names: c.2233A>T, p.Ser745Cys (NM_033150.3); short protein forms S745C, S814C.
Identifiers: ClinVar variation 2412823 (VCV002412823.4), dbSNP rs2540127225, ClinGen allele CA384545214.